The following is an entry in ClinVar:

ClinVar aggregate classification (germline): Benign. Review status: reviewed by expert panel (3 of 4 stars). 8 submissions from 7 submitters: Benign (1). 7 of the submissions do not count toward it. Last evaluated 2023-11-14.

Conditions:
Recombinase activating gene 1 deficiency. Identifiers: MedGen CN375631, MONDO:0000572.
Histiocytic medullary reticulosis. Also called: SEVERE COMBINED IMMUNODEFICIENCY WITH HYPEREOSINOPHILIA; Omenn syndrome. Identifiers: Orphanet 39041, MedGen C2700553, MONDO:0011338, OMIM 603554.
Severe combined immunodeficiency, autosomal recessive, T cell-negative, B cell-negative, NK cell-positive. Also called: SCID, T CELL-NEGATIVE, B CELL-NEGATIVE, NK CELL-POSITIVE; SCID, AR, T-cell negative, B-cell negative, NK cell-positive; Severe combined immunodeficiency due to complete RAG1/2 deficiency. Identifiers: Orphanet 331206, MedGen C1832322, MONDO:0011086, OMIM 601457.
Combined immunodeficiency with skin granulomas. Identifiers: Orphanet 157949, MedGen C2673536, MONDO:0009306, OMIM 233650.

Allele frequency attached by ClinVar (database versions not stated): ESP Exome Variant Server 0.00069; gnomAD 0.00130 and 0.00204; TOPMed 0.00143; gnomAD exomes 0.00191 and 0.00385; ExAC 0.00412; 1000 Genomes Project 30x 0.00843; 1000 Genomes Project 0.00859.
gnomAD v4.1: 3,176 of 1,614,140 alleles (0.2%); highest among the groups gnomAD compares: South Asian, 2.4%; 45 homozygotes.

Submissions (8):

ClinGen Severe Combined Immunodeficiency Variant Curation Expert Panel, ClinGen
Classification: Benign for Recombinase activating gene 1 deficiency. Last evaluated: 2023-11-14. Review status: reviewed by expert panel. Criteria: ClinGen SCID ACMG Specifications RAG1 V1.0.0. Collection method: curation. Allele origin: germline. Inheritance: Autosomal recessive inheritance.
Comment: The c.577G>A (NM_000448.3) variant in RAG1 is a missense variant predicted to cause the substitution of Glutamic Acid by Lysine at amino acid 193 (p.Glu193Lys). The filtering allele frequency (the lower threshold of the 95% CI of 772/30614) of the c.577G>A variant in RAG1 is 0.02374 for South Asian chromosomes by gnomAD v2.1.1, which is higher than the ClinGen SCID VCEP threshold (>0.00872) for BA1, and therefore meets this criterion (BA1). 12 adult homozygous reported on GnomAD v2.1.1, BS2_Supporting is Met. In summary, this variant meets the criteria to be classified as Benign for autosomal recessive SCID based on the ACMG/AMP criteria applied, BA1 and BS2_Supporting, as specified by the ClinGen SCID VCEP (VCEP specifications version 1).

Labcorp Genetics (formerly Invitae), Labcorp
Classification: Benign for Combined immunodeficiency with skin granulomas; Severe combined immunodeficiency, autosomal recessive, T cell-negative, B cell-negative, NK cell-positive. Last evaluated: 2026-02-03. Review status: criteria provided, single submitter. Criteria: Invitae Variant Classification Sherloc (09022015). Collection method: clinical testing. Allele origin: germline. Not counted in ClinVar's aggregate classification.

Mayo Clinic Laboratories, Mayo Clinic
Classification: Benign. Last evaluated: 2025-06-17. Review status: criteria provided, single submitter. Criteria: ACMG Guidelines, 2015. Collection method: clinical testing. Allele origin: germline. Observed: 6 variant alleles. Not counted in ClinVar's aggregate classification.
Comment: BS1, BS2, BP4

Center for Genomic Medicine, Rigshospitalet, Copenhagen University Hospital
Classification: Benign. Last evaluated: 2025-03-04. Review status: criteria provided, single submitter. Criteria: ACMG Guidelines, 2015. Collection method: clinical testing. Allele origin: germline. Not counted in ClinVar's aggregate classification.

Women's Health and Genetics/Laboratory Corporation of America, LabCorp
Classification: Benign. Last evaluated: 2018-02-21. Review status: criteria provided, single submitter. Criteria: LabCorp Variant Classification Summary - May 2015. Collection method: clinical testing. Allele origin: germline. Not counted in ClinVar's aggregate classification.
Comment: Variant summary: RAG1 c.577G>A (p.Glu193Lys) results in a conservative amino acid change located in the RAG1 importin-binding domain of the encoded protein sequence. Three of five in-silico tools predict a benign effect of the variant on protein function. The variant allele was found at a frequency of 0.0036 in 276652 control chromosomes, predominantly at a frequency of 0.025 within the South Asian subpopulation in the gnomAD database, including 10 homozygotes. The observed variant frequency within South Asian control individuals in the gnomAD database is approximately 35.36 fold of the estimated maximal expected allele frequency for a pathogenic variant in RAG1 causing Severe Combined Immunodeficiency Syndrome phenotype (0.00071), strongly suggesting that the variant is a benign polymorphism found primarily in populations of South Asian origin. To our knowledge, no occurrence of c.577G>A in individuals affected with Severe Combined Immunodeficiency Syndrome and no experimental evidence demonstrating its impact on protein function have been reported. One clinical diagnostic laboratory has submitted clinical-significance assessments for this variant to ClinVar after 2014 without evidence for independent evaluation, classifying the variant as uncertain significance. Based on the evidence outlined above, the variant was classified as benign.

Illumina Laboratory Services, Illumina
Classification: Benign for Histiocytic medullary reticulosis. Last evaluated: 2018-01-13. Review status: criteria provided, single submitter. Criteria: ICSL Variant Classification Criteria 13 December 2019. Collection method: clinical testing. Allele origin: germline. Not counted in ClinVar's aggregate classification.
Comment: This variant was observed in the ICSL laboratory as part of a predisposition screen in an ostensibly healthy population. It had not been previously curated by ICSL or reported in the Human Gene Mutation Database (HGMD: prior to June 1st, 2018), and was therefore a candidate for classification through an automated scoring system. Utilizing variant allele frequency, disease prevalence and penetrance estimates, and inheritance mode, an automated score was calculated to assess if this variant is too frequent to cause the disease. Based on the score and internal cut-off values, a variant classified as benign is not then subjected to further curation. The score for this variant resulted in a classification of benign for this disease.

Illumina Laboratory Services, Illumina
Classification: Benign for Severe combined immunodeficiency, autosomal recessive, T cell-negative, B cell-negative, NK cell-positive. Last evaluated: 2018-01-13. Review status: criteria provided, single submitter. Criteria: ICSL Variant Classification Criteria 13 December 2019. Collection method: clinical testing. Allele origin: germline. Not counted in ClinVar's aggregate classification.
Comment: the same text as in the submission from Illumina Laboratory Services, Illumina above.

Breakthrough Genomics
Classification: Benign. Review status: criteria provided, single submitter. Criteria: ACMG Guidelines, 2015. Collection method: not provided. Allele origin: germline. Inheritance: Autosomal recessive inheritance. Affected: yes. Not counted in ClinVar's aggregate classification.

NM_000448.3(RAG1):c.577G>A (p.Glu193Lys)

Gene: RAG1 (recombination activating 1; plus strand). Cytogenetic location: 11p12.
Variant type: single nucleotide variant.
Coding change: c.577G>A on transcript NM_000448.3 (MANE Select); coding-DNA position 577, G replaced by A.
Protein change: p.Glu193Lys; replaces glutamic acid 193 with lysine.
Molecular consequence: missense variant.
Genome position (GRCh38, 1-based): chr11:36,573,881, G>A. VCF-style: chr11-36573881-G-A. GRCh37 (hg19) VCF-style: chr11-36595431-G-A.
Other names: NM_000448.3(RAG1):c.577G>A; p.Glu193Lys; c.577G>A, p.Glu193Lys (NM_001377277.1, NM_001377278.1, NM_001377279.1 and 1 more transcripts); short protein forms E193K.
Identifiers: ClinVar variation 304495 (VCV000304495.21), dbSNP rs34841221, ClinGen allele CA5950009.